The following is an entry in ClinVar:

NM_133510.4(RAD51B):c.316-6_316-3del

Gene: RAD51B (RAD51 paralog B; plus strand). Cytogenetic location: 14q24.1.
Variant type: Deletion.
Coding change: c.316-6_316-3del on transcript NM_133510.4 (MANE Select); 6 bases into the intron before coding-DNA position 316 through 3 bases into the intron before coding-DNA position 316, 4 bases deleted (TTTT; older notation c.316-6_316-3delTTTT).
Molecular consequence: intron variant.
Genome position (GRCh38, 1-based): chr14:67,864,997-67,865,000, TTTT deleted; deleting any 4 consecutive bases within chr14:67,864,962-67,865,000 gives the same sequence; the c. name uses the placement nearest the transcript's 3' end. VCF-style (leftmost placement, unchanged base first): chr14-67864961-CTTTT-C. GRCh37 (hg19) VCF-style: chr14-68331678-CTTTT-C.
Other names: c.316-6_316-3del (NM_001321818.2, NM_001321809.2, NM_001321821.2 and 6 more transcripts); c.-42-6_-42-3del (NM_001321817.2); c.202-6_202-3del (NM_001321815.1); c.316-6_316-3delTTTT (NM_133510.4).
Identifiers: ClinVar variation 3765287 (VCV003765287.14).

ClinVar aggregate classification (germline): Benign/Likely benign. Review status: criteria provided, multiple submitters, no conflicts (2 of 4 stars). 2 submissions from 2 submitters: Benign (1); Likely benign (1). Last evaluated 2025-03-04.

Submissions (2):

Center for Genomic Medicine, Rigshospitalet, Copenhagen University Hospital
Classification: Benign. Last evaluated: 2025-03-04. Review status: criteria provided, single submitter. Criteria: ACMG Guidelines, 2015. Collection method: clinical testing. Allele origin: germline.
Comment: Classification criteria: BA1

CeGaT Center for Human Genetics Tuebingen
Classification: Likely benign. Last evaluated: 2025-02-01. Review status: criteria provided, single submitter. Criteria: CeGaT Center For Human Genetics Tuebingen Variant Classification Criteria Version 2. Collection method: clinical testing. Allele origin: germline. Affected: yes. Observed: 1 variant allele.
Comment: RAD51B: BP4, BS1